The following is an entry in ClinVar:

ClinVar aggregate classification (germline): Uncertain significance (1 of 4 stars; one submission).

Submission:

Labcorp Genetics (formerly Invitae), Labcorp
Classification: Uncertain significance. Last evaluated: 2021-02-17. Review status: criteria provided, single submitter. Criteria: Invitae Variant Classification Sherloc (09022015). Collection method: clinical testing. Allele origin: germline.
Comment: In summary, the available evidence is currently insufficient to determine the role of this variant in disease. Therefore, it has been classified as a Variant of Uncertain Significance. Advanced modeling of protein sequence and biophysical properties (such as structural, functional, and spatial information, amino acid conservation, physicochemical variation, residue mobility, and thermodynamic stability) performed at Invitae indicates that this missense variant is expected to disrupt SPEG protein function. This variant has not been reported in the literature in individuals with SPEG-related conditions. The frequency data for this variant in the population databases is considered unreliable, as metrics indicate insufficient coverage at this position in the ExAC database. This sequence change replaces serine with leucine at codon 488 of the SPEG protein (p.Ser488Leu). The serine residue is moderately conserved and there is a large physicochemical difference between serine and leucine.

NM_005876.5(SPEG):c.1463C>T (p.Ser488Leu)

Gene: SPEG (striated muscle enriched protein kinase; plus strand). Cytogenetic location: 2q35.
Variant type: single nucleotide variant.
Coding change: c.1463C>T on transcript NM_005876.5 (MANE Select); coding-DNA position 1463, C replaced by T.
Protein change: p.Ser488Leu; replaces serine 488 with leucine.
Molecular consequence: missense variant.
Genome position (GRCh38, 1-based): chr2:219,448,621, C>T. VCF-style: chr2-219448621-C-T. GRCh37 (hg19) VCF-style: chr2-220313343-C-T.
Other names: short protein forms S488L.
Identifiers: ClinVar variation 1486614 (VCV001486614.8), dbSNP rs2125283470, ClinGen allele CA350720024.